The following is an entry in ClinVar:

ClinVar aggregate classification (germline): Uncertain significance (1 of 4 stars; one submission).

Submission:

GeneDx
Classification: Uncertain significance. Last evaluated: 2025-09-10. Review status: criteria provided, single submitter. Criteria: GeneDx Variant Classification Process June 2021. Collection method: clinical testing. Allele origin: germline. Affected: yes.
Comment: Not observed at significant frequency in large population cohorts (gnomAD); In silico analysis supports a deleterious effect on splicing; Has not been previously published as pathogenic or benign to our knowledge

NM_057175.5(NAA15):c.2057-3T>G

Gene: NAA15 (N-alpha-acetyltransferase 15, NatA auxiliary subunit; plus strand). Cytogenetic location: 4q31.1.
Variant type: single nucleotide variant.
Coding change: c.2057-3T>G on transcript NM_057175.5 (MANE Select); 3 bases into the intron before coding-DNA position 2057, T replaced by G.
Molecular consequence: intron variant.
Genome position (GRCh38, 1-based): chr4:139,378,753, T>G. VCF-style: chr4-139378753-T-G. GRCh37 (hg19) VCF-style: chr4-140299907-T-G.
Other names: c.2057-3T>G (NM_001410842.1).
Identifiers: ClinVar variation 4813389 (VCV004813389.1).